The following is an entry in ClinVar:

ClinVar aggregate classification (germline): Likely pathogenic (1 of 4 stars; one submission).

Conditions:
Cornelia de Lange syndrome 3 (CDLS3). Also called: SMC3-Related Cornelia de Lange Syndrome; CORNELIA DE LANGE SYNDROME 3 WITH OR WITHOUT MIDLINE BRAIN DEFECTS. Identifiers: Orphanet 199, MedGen C1853099, MONDO:0012555, OMIM 610759.

Submission:

MVZ Medizinische Genetik Mainz
Classification: Likely pathogenic for Cornelia de Lange syndrome 3. Last evaluated: 2022-07-25. Review status: criteria provided, single submitter. Criteria: UK Practice Guidelines For Variant Classification V4 01 2020. Collection method: clinical testing. Allele origin: germline. Inheritance: Autosomal dominant inheritance. Affected: yes. Observed: 1 variant allele.
Comment: ACMG Criteria: PVS1, PM2_SUP

NM_005445.4(SMC3):c.1480del (p.Gln494fs)

Gene: SMC3 (structural maintenance of chromosomes 3; plus strand). Cytogenetic location: 10q25.2.
Variant type: Deletion.
Coding change: c.1480del on transcript NM_005445.4 (MANE Select); coding-DNA position 1480, one base deleted (C; older notation c.1480delC).
Protein change: p.Gln494fs; shifts the reading frame from glutamine 494.
Molecular consequence: frameshift variant.
Genome position (GRCh38, 1-based): chr10:110,589,962, C deleted. VCF-style (leftmost placement, unchanged base first): chr10-110589961-GC-G. GRCh37 (hg19) VCF-style: chr10-112349719-GC-G.
Other names: short protein forms Q494fs.
Identifiers: ClinVar variation 3068330 (VCV003068330.1), dbSNP rs2493126411, ClinGen allele CA2825001681.